The following is an entry in ClinVar:

NM_003108.4(SOX11):c.701A>G (p.Glu234Gly)

Gene: SOX11 (SRY-box transcription factor 11; plus strand). Cytogenetic location: 2p25.2.
Variant type: single nucleotide variant.
Coding change: c.701A>G on transcript NM_003108.4 (MANE Select); coding-DNA position 701, A replaced by G.
Protein change: p.Glu234Gly; replaces glutamic acid 234 with glycine.
Molecular consequence: missense variant.
Genome position (GRCh38, 1-based): chr2:5,693,422, A>G. VCF-style: chr2-5693422-A-G. GRCh37 (hg19) VCF-style: chr2-5833554-A-G.
Other names: c.701A>G (NM_003108.3); short protein forms E234G.
Identifiers: ClinVar variation 1342341 (VCV001342341.3), dbSNP rs751660162, ClinGen allele CA1517899.

ClinVar aggregate classification (germline): Uncertain significance. Review status: criteria provided, multiple submitters, no conflicts (2 of 4 stars). 3 submissions from 3 submitters: Uncertain significance (3). Last evaluated 2025-05-19.

Conditions:
Intellectual developmental disorder with microcephaly and with or without ocular malformations or hypogonadotropic hypogonadism. Also called: Intellectual disability, autosomal dominant 27; Coffin-Siris Syndrome 9. Identifiers: Orphanet 1465, MedGen C4014528, MONDO:0014376, OMIM 615866.
SOX11-related disorder. Also called: SOX11-related condition.

Allele frequency attached by ClinVar (database versions not stated): ExAC 0.00001; TOPMed 0.00001; gnomAD 0.00002; gnomAD exomes 0.00002.

Submissions (3):

PreventionGenetics, part of Exact Sciences
Classification: Uncertain significance for SOX11-related condition. Last evaluated: 2025-05-19. Review status: criteria provided, single submitter. Criteria: ACMG Guidelines, 2015. Collection method: clinical testing. Allele origin: germline.
Comment: The SOX11 c.701A>G variant is predicted to result in the amino acid substitution p.Glu234Gly. To our knowledge, this variant has not been reported in the literature. This variant is reported in 0.0010% of alleles in individuals of European (non-Finnish) descent in gnomAD. At this time, the clinical significance of this variant is uncertain due to the absence of conclusive functional and genetic evidence.

GeneDx
Classification: Uncertain significance. Last evaluated: 2023-01-04. Review status: criteria provided, single submitter. Criteria: GeneDx Variant Classification Process June 2021. Collection method: clinical testing. Allele origin: germline. Affected: yes.
Comment: In silico analysis supports that this missense variant does not alter protein structure/function; Has not been previously published as pathogenic or benign to our knowledge

New York Genome Center
Classification: Uncertain significance for Intellectual developmental disorder with microcephaly and with or without ocular malformations or hypogonadotropic hypogonadism. Last evaluated: 2021-05-14. Review status: criteria provided, single submitter. Criteria: NYGC Assertion Criteria 2020. Collection method: clinical testing. Allele origin: inherited. Observed: 1 heterozygote. Study: CSER-NYCKidSeq.